The following is an entry in ClinVar:

NM_016151.4(TAOK2):c.1140GGA[1] (p.Glu388_Glu392del)

Gene: TAOK2 (TAO kinase 2; plus strand). Cytogenetic location: 16p11.2.
Variant type: Microsatellite.
Coding change: c.1140GGA[1] on transcript NM_016151.4 (MANE Select); one copy of the 3-base unit GGA starting at c.1140; the reference has six copies in a row; five copies, 15 bases deleted.
Protein change: p.Glu388_Glu392del.
Molecular consequence: inframe deletion.
Genome position (GRCh38, 1-based): chr16:29,983,215-29,983,229, GGAGGAGGAGGAGGA deleted; deleting any 15 consecutive bases within chr16:29,983,210-29,983,229 gives the same sequence; the position shown is the placement nearest the transcript's 3' end. VCF-style (leftmost placement, unchanged base first): chr16-29983209-AGAGGAGGAGGAGGAG-A. GRCh37 (hg19) VCF-style: chr16-29994530-AGAGGAGGAGGAGGAG-A.
Other names: c.1140GGA[1], p.Glu388_Glu392del (NM_001252043.2, NM_004783.4).
Identifiers: ClinVar variation 2074870 (VCV002074870.4), dbSNP rs368747234, ClinGen allele CA2580613455.

ClinVar aggregate classification (germline): Uncertain significance (1 of 4 stars; one submission).

Submission:

Labcorp Genetics (formerly Invitae), Labcorp
Classification: Uncertain significance. Last evaluated: 2022-01-04. Review status: criteria provided, single submitter. Criteria: Invitae Variant Classification Sherloc (09022015). Collection method: clinical testing. Allele origin: germline.
Comment: This variant has not been reported in the literature in individuals affected with TAOK2-related conditions. In summary, the available evidence is currently insufficient to determine the role of this variant in disease. Therefore, it has been classified as a Variant of Uncertain Significance. Experimental studies and prediction algorithms are not available or were not evaluated, and the functional significance of this variant is currently unknown. This variant is not present in population databases (gnomAD no frequency). This variant, c.1143_1157del, results in the deletion of 5 amino acid(s) of the TAOK2 protein (p.Glu388_Glu392del), but otherwise preserves the integrity of the reading frame.